The following is an entry in ClinVar:

NM_016284.5(CNOT1):c.800G>C (p.Cys267Ser)

Gene: CNOT1 (CCR4-NOT transcription complex subunit 1; minus strand). Cytogenetic location: 16q21.
Variant type: single nucleotide variant.
Coding change: c.800G>C on transcript NM_016284.5 (MANE Select); coding-DNA position 800, G replaced by C.
Protein change: p.Cys267Ser; replaces cysteine 267 with serine.
Molecular consequence: missense variant. On other transcripts: non-coding transcript variant (1).
Genome position (GRCh38, 1-based): chr16:58,585,344, C>G on the plus strand (G>C on the coding strand, the complement: CNOT1 is on the minus strand). VCF-style: chr16-58585344-C-G. GRCh37 (hg19) VCF-style: chr16-58619248-C-G.
Other names: c.800G>C, p.Cys267Ser (NM_001265612.2, NM_206999.3); short protein forms C267S.
Identifiers: ClinVar variation 3371562 (VCV003371562.1).
Genomic context (GRCh38, chr16:58,585,344, plus strand): 5'-TACATCATGTTTGGCACAAGAATAATCAGAAGCTTAACACATTTTACTACCAACCTTGCA[C>G]AAAAGCCATAGCCTACTTCTTGCATGAAATCAGCCAAAGAGCTCTCCATCATGGTTTTAG-3'
Protein context (NP_057368.3, residues 257-277): DFMQEVGYGF[Cys267Ser]ASIEECRNII

ClinVar aggregate classification (germline): Uncertain significance (1 of 4 stars; one submission).

Submission:

GeneDx
Classification: Uncertain significance. Last evaluated: 2024-03-25. Review status: criteria provided, single submitter. Criteria: GeneDx Variant Classification Process June 2021. Collection method: clinical testing. Allele origin: germline. Affected: yes.
Comment: Has not been previously published as pathogenic or benign to our knowledge; Not observed at significant frequency in large population cohorts (gnomAD); In silico analysis supports that this missense variant has a deleterious effect on protein structure/function